The following is an entry in ClinVar:

NM_018941.4(CLN8):c.312G>T (p.Trp104Cys)

Gene: CLN8 (CLN8 transmembrane ER and ERGIC protein; plus strand). Cytogenetic location: 8p23.3.
Variant type: single nucleotide variant.
Coding change: c.312G>T on transcript NM_018941.4 (MANE Select); coding-DNA position 312, G replaced by T.
Protein change: p.Trp104Cys; replaces tryptophan 104 with cysteine.
Molecular consequence: missense variant.
Genome position (GRCh38, 1-based): chr8:1,771,366, G>T. VCF-style: chr8-1771366-G-T. GRCh37 (hg19) VCF-style: chr8-1719532-G-T.
Other names: short protein forms W104C.
Identifiers: ClinVar variation 1427758 (VCV001427758.8), dbSNP rs1554449136, ClinGen allele CA369953298.
Genomic context (GRCh38, chr8:1,771,366, plus strand): 5'-TCTGCTGGGGGACCCTGTGCTGCATGCCGACAAGGCGCGTGGCCAGCAGAACTGGTGCTG[G>T]TTTCACATCACGACAGCAACGGGATTCTTTTGCTTTGAAAATGTTGCAGTCCACCTGTCC-3'
Protein context (NP_061764.2, residues 94-114): DKARGQQNWC[Trp104Cys]FHITTATGFF

ClinVar aggregate classification (germline): Uncertain significance (1 of 4 stars; one submission).

Conditions:
Neuronal ceroid lipofuscinosis. Also called: Neuronal Ceroid Lipofuscinoses. Identifiers: Orphanet 216, Orphanet 79263, MedGen C0027877, MONDO:0016295. Disease mechanism: loss of function.

Submission:

Labcorp Genetics (formerly Invitae), Labcorp
Classification: Uncertain significance for Neuronal ceroid lipofuscinosis. Last evaluated: 2022-10-13. Review status: criteria provided, single submitter. Criteria: Invitae Variant Classification Sherloc (09022015). Collection method: clinical testing. Allele origin: germline.
Comment: In summary, the available evidence is currently insufficient to determine the role of this variant in disease. Therefore, it has been classified as a Variant of Uncertain Significance. Advanced modeling of protein sequence and biophysical properties (such as structural, functional, and spatial information, amino acid conservation, physicochemical variation, residue mobility, and thermodynamic stability) performed at Invitae indicates that this missense variant is expected to disrupt CLN8 protein function. ClinVar contains an entry for this variant (Variation ID: 1427758). This variant has not been reported in the literature in individuals affected with CLN8-related conditions. This variant is not present in population databases (gnomAD no frequency). This sequence change replaces tryptophan, which is neutral and slightly polar, with cysteine, which is neutral and slightly polar, at codon 104 of the CLN8 protein (p.Trp104Cys).